The following is an entry in ClinVar:

NM_015662.3(IFT172):c.571-3T>C

Gene: IFT172 (intraflagellar transport 172; minus strand). Cytogenetic location: 2p23.3.
Variant type: single nucleotide variant.
Coding change: c.571-3T>C on transcript NM_015662.3 (MANE Select); 3 bases into the intron before coding-DNA position 571, T replaced by C.
Molecular consequence: intron variant.
Genome position (GRCh38, 1-based): chr2:27,481,263, A>G on the plus strand (T>C on the coding strand, the complement: IFT172 is on the minus strand). VCF-style: chr2-27481263-A-G. GRCh37 (hg19) VCF-style: chr2-27704130-A-G.
Identifiers: ClinVar variation 2004484 (VCV002004484.4), dbSNP rs761193112, ClinGen allele CA1580917.

ClinVar aggregate classification (germline): Uncertain significance. Review status: criteria provided, multiple submitters, no conflicts (2 of 4 stars). 2 submissions from 2 submitters: Uncertain significance (2). Last evaluated 2024-02-03.

Conditions:
Short-rib thoracic dysplasia 10 with or without polydactyly (SRTD10). Identifiers: Orphanet 474, MedGen C3810175, MONDO:0014284, OMIM 615630.
Retinitis pigmentosa 71 (RP71). Identifiers: Orphanet 791, MedGen C4225342, MONDO:0014618, OMIM 616394.
Bardet-Biedl syndrome 20. Identifiers: MedGen C4310707, MONDO:0023670, OMIM 619471, MONDO:0014926.

Allele frequency attached by ClinVar (database versions not stated): gnomAD exomes below 0.00001; ExAC 0.00002.

Submissions (2):

Fulgent Genetics
Classification: Uncertain significance for Short-rib thoracic dysplasia 10 with or without polydactyly; Retinitis pigmentosa 71; Bardet-Biedl syndrome 20. Last evaluated: 2024-02-03. Review status: criteria provided, single submitter. Criteria: ACMG Guidelines, 2015. Collection method: clinical testing. Allele origin: germline.

Labcorp Genetics (formerly Invitae), Labcorp
Classification: Uncertain significance for Retinitis pigmentosa 71; Short-rib thoracic dysplasia 10 with or without polydactyly. Last evaluated: 2022-10-25. Review status: criteria provided, single submitter. Criteria: Invitae Variant Classification Sherloc (09022015). Collection method: clinical testing. Allele origin: germline.
Comment: This sequence change falls in intron 7 of the IFT172 gene. It does not directly change the encoded amino acid sequence of the IFT172 protein. It affects a nucleotide within the consensus splice site. This variant is present in population databases (rs761193112, gnomAD 0.02%). This variant has not been reported in the literature in individuals affected with IFT172-related conditions. Variants that disrupt the consensus splice site are a relatively common cause of aberrant splicing (PMID: 17576681, 9536098). Algorithms developed to predict the effect of sequence changes on RNA splicing suggest that this variant is not likely to affect RNA splicing. In summary, the available evidence is currently insufficient to determine the role of this variant in disease. Therefore, it has been classified as a Variant of Uncertain Significance.

Literature cited by the submitters: PubMed 17576681 (cited by Labcorp Genetics (formerly Invitae), Labcorp); PubMed 9536098 (cited by Labcorp Genetics (formerly Invitae), Labcorp).